The following is an entry in ClinVar:

NM_000321.3(RB1):c.1848del (p.Gly617fs)

Gene: RB1 (RB transcriptional corepressor 1; plus strand). Cytogenetic location: 13q14.2.
Variant type: Deletion.
Coding change: c.1848del on transcript NM_000321.3 (MANE Select); coding-DNA position 1848, one base deleted (A; older notation c.1848delA).
Protein change: p.Gly617fs; shifts the reading frame from glycine 617.
Molecular consequence: frameshift variant.
Genome position (GRCh38, 1-based): chr13:48,456,237, A deleted; the last of 6 consecutive A bases (chr13:48,456,232-48,456,237); deleting any one gives the same sequence. VCF-style (leftmost placement, unchanged base first): chr13-48456231-GA-G. GRCh37 (hg19) VCF-style: chr13-49030367-GA-G.
Other names: c.1848del, p.Gly617fs (NM_001407165.1); short protein forms G617fs.
Identifiers: ClinVar variation 3237033 (VCV003237033.1), dbSNP rs2542364001.
Genomic context (GRCh38, chr13:48,456,231, plus strand): 5'-TGAAATGAAGACTTTTCCTTTAAATATATCTAGGTATCTTTCTCCTGTAAGATCTCCAAA[GA>G]AAAAAGGTTCAACTACGCGTGTAAATTCTACTGCAAATGCAGAGACACAAGCAACCTCAG-3'

ClinVar aggregate classification (germline): Pathogenic (1 of 4 stars; one submission).

Conditions:
Retinoblastoma (RB1). Also called: RETINOBLASTOMA, SOMATIC. Identifiers: Orphanet 790, MedGen C0035335, MeSH D012175, MONDO:0008380, OMIM 180200, HP:0009919. Disease mechanism: loss of function. Inheritance: Both sporadic and heritable forms are tested..

Submission:

Genetic Diagnostic Laboratory, University of Pennsylvania School of Medicine
Classification: Pathogenic for Retinoblastoma. Last evaluated: 2024-05-20. Review status: criteria provided, single submitter. Criteria: ACMG Guidelines, 2015. Collection method: clinical testing. Allele origin: germline. Affected: yes. Observed: 1 variant allele.
Comment: Case and Pedigree Information: BILATERAL CASES:0, UNILATERAL CASES:1, TOTAL CASES:1, PEDIGREES:1. ACMG Codes Applied:PVS1, PM2